The following is an entry in ClinVar:

NM_174936.4(PCSK9):c.910C>G (p.Leu304Val)

Gene: PCSK9 (proprotein convertase subtilisin/kexin type 9; plus strand). Cytogenetic location: 1p32.3.
Variant type: single nucleotide variant.
Coding change: c.910C>G on transcript NM_174936.4 (MANE Select); coding-DNA position 910, C replaced by G.
Protein change: p.Leu304Val; replaces leucine 304 with valine.
Molecular consequence: missense variant. On other transcripts: non-coding transcript variant (8).
Genome position (GRCh38, 1-based): chr1:55,056,103, C>G. VCF-style: chr1-55056103-C-G. GRCh37 (hg19) VCF-style: chr1-55521776-C-G.
Other names: c.1033C>G, p.Leu345Val (NM_001407240.1); c.910C>G, p.Leu304Val (NM_001407241.1, NM_001407244.1, NM_001407247.1); c.913C>G, p.Leu305Val (NM_001407242.1); c.853C>G, p.Leu285Val (NM_001407243.1); c.718C>G, p.Leu240Val (NM_001407245.1); c.535C>G, p.Leu179Val (NM_001407246.1); short protein forms L305V, L285V, L304V, L345V, L179V, L240V.
Identifiers: ClinVar variation 4133487 (VCV004133487.1).

ClinVar aggregate classification (germline): Uncertain significance (1 of 4 stars; one submission).

Conditions:
Cardiovascular phenotype. Identifiers: MedGen CN230736.

Submission:

Ambry Genetics
Classification: Uncertain significance for Cardiovascular phenotype. Last evaluated: 2025-08-06. Review status: criteria provided, single submitter. Criteria: Ambry Variant Classification Scheme 2023. Collection method: clinical testing. Allele origin: germline.
Comment: The p.L304V variant (also known as c.910C>G), located in coding exon 6 of the PCSK9 gene, results from a C to G substitution at nucleotide position 910. The leucine at codon 304 is replaced by valine, an amino acid with highly similar properties. This amino acid position is conserved. In addition, this alteration is predicted to be tolerated by in silico analysis. Based on the available evidence, the clinical significance of this variant remains unclear.